The following is an entry in ClinVar:

NM_025215.6(PUS1):c.926C>T (p.Ala309Val)

Gene: PUS1 (pseudouridine synthase 1; plus strand). Cytogenetic location: 12q24.33.
Variant type: single nucleotide variant.
Coding change: c.926C>T on transcript NM_025215.6 (MANE Select); coding-DNA position 926, C replaced by T.
Protein change: p.Ala309Val; replaces alanine 309 with valine.
Molecular consequence: missense variant.
Genome position (GRCh38, 1-based): chr12:131,941,673, C>T. VCF-style: chr12-131941673-C-T. GRCh37 (hg19) VCF-style: chr12-132426218-C-T.
Other names: c.842C>T, p.Ala281Val (NM_001002019.3, NM_001002020.3); short protein forms A281V, A309V.
Identifiers: ClinVar variation 1342804 (VCV001342804.4), dbSNP rs140275952, ClinGen allele CA6884271.

ClinVar aggregate classification (germline): Uncertain significance. Review status: criteria provided, multiple submitters, no conflicts (2 of 4 stars). 2 submissions from 2 submitters: Uncertain significance (2). Last evaluated 2025-09-17.

Allele frequency attached by ClinVar (database versions not stated): gnomAD exomes 0.00001 and 0.00004; ExAC 0.00006; TOPMed 0.00011; gnomAD 0.00012 and 0.00013; ESP Exome Variant Server 0.00023; 1000 Genomes Project 30x 0.00047; 1000 Genomes Project 0.00060.

Submissions (2):

GeneDx
Classification: Uncertain significance. Last evaluated: 2025-09-17. Review status: criteria provided, single submitter. Criteria: GeneDx Variant Classification Process June 2021. Collection method: clinical testing. Allele origin: germline. Affected: yes.
Comment: In silico analysis suggests that this missense variant does not alter protein structure/function; Has not been previously published as pathogenic or benign to our knowledge

Labcorp Genetics (formerly Invitae), Labcorp
Classification: Uncertain significance. Last evaluated: 2022-08-04. Review status: criteria provided, single submitter. Criteria: Invitae Variant Classification Sherloc (09022015). Collection method: clinical testing. Allele origin: germline.
Comment: This sequence change replaces alanine, which is neutral and non-polar, with valine, which is neutral and non-polar, at codon 309 of the PUS1 protein (p.Ala309Val). This variant is present in population databases (rs140275952, gnomAD 0.06%). This variant has not been reported in the literature in individuals affected with PUS1-related conditions. ClinVar contains an entry for this variant (Variation ID: 1342804). Algorithms developed to predict the effect of missense changes on protein structure and function output the following: SIFT: "Tolerated"; PolyPhen-2: "Benign"; Align-GVGD: "Class C0". The valine amino acid residue is found in multiple mammalian species, which suggests that this missense change does not adversely affect protein function. In summary, the available evidence is currently insufficient to determine the role of this variant in disease. Therefore, it has been classified as a Variant of Uncertain Significance.